The following is an entry in ClinVar:

ClinVar aggregate classification (germline): Likely pathogenic (1 of 4 stars; one submission).

Conditions:
Complex cortical dysplasia with other brain malformations 5. Identifiers: MedGen C3810407, MONDO:0014337, OMIM 615763.

Submission:

Baylor Genetics
Classification: Likely pathogenic for Complex cortical dysplasia with other brain malformations 5. Last evaluated: 2019-03-29. Review status: criteria provided, single submitter. Criteria: ACMG Guidelines, 2015. Collection method: clinical testing. Allele origin: de novo. Affected: yes.
Comment: This variant was determined to be likely pathogenic according to ACMG Guidelines, 2015 [PMID:25741868].

NM_001069.3(TUBB2A):c.1073C>T (p.Pro358Leu)

Gene: TUBB2A (tubulin beta 2A class IIa; minus strand). Cytogenetic location: 6p25.2.
Variant type: single nucleotide variant.
Coding change: c.1073C>T on transcript NM_001069.3 (MANE Select); coding-DNA position 1073, C replaced by T.
Protein change: p.Pro358Leu; replaces proline 358 with leucine.
Molecular consequence: missense variant.
Genome position (GRCh38, 1-based): chr6:3,154,128, G>A on the plus strand (C>T on the coding strand, the complement: TUBB2A is on the minus strand). VCF-style: chr6-3154128-G-A. GRCh37 (hg19) VCF-style: chr6-3154362-G-A.
Other names: c.818C>T, p.Pro273Leu (NM_001310315.2); short protein forms P273L, P358L.
Identifiers: ClinVar variation 1031017 (VCV001031017.1), dbSNP rs1762593142, ClinGen allele CA362591292.
Genomic context (GRCh38, chr6:3,154,128, plus strand): 5'-AACAGCTCCTGGATGGCCGTGCTGTTGCCGATGAAGGTGGCCGACATCTTCAGGCCGCGG[G>A]GCGGGATGTCGCACACGGCCGTCTTCACGTTGTTGGGGATCCACTCCACGAAGTAGCTGC-3'
Protein context (NP_001060.1, residues 348-368): NVKTAVCDIP[Pro358Leu]RGLKMSATFI